The following is an entry in ClinVar:

ClinVar aggregate classification (germline): Pathogenic. Review status: criteria provided, multiple submitters, no conflicts (2 of 4 stars). 2 submissions from 2 submitters: Pathogenic (2). Last evaluated 2024-05-29.

Conditions:
Hereditary spastic paraplegia 4. Also called: Spastic paraplegia 4, autosomal dominant; Spastic Paraplegia 4; Familial spastic paraplegia autosomal dominant 2. Identifiers: Orphanet 100985, MedGen C1866855, MONDO:0008438, OMIM 182601.

Submissions (2):

Institute of Medical Genetics and Applied Genomics, University Hospital Tübingen
Classification: Pathogenic for Hereditary spastic paraplegia 4. Last evaluated: 2024-05-29. Review status: criteria provided, single submitter. Criteria: ACMG Guidelines, 2015. Collection method: clinical testing. Allele origin: germline. Inheritance: Autosomal dominant inheritance. Affected: yes.

Athena Diagnostics
Classification: Pathogenic. Last evaluated: 2020-02-05. Review status: criteria provided, single submitter. Criteria: Athena Diagnostics Criteria. Collection method: clinical testing. Allele origin: unknown.
Comment: The variant results in a shift of the reading frame, and is therefore predicted to result in the loss of a functional protein. Found in at least one patient with expected phenotype for this gene, and not found in general population data.

Literature cited by the submitters: PubMed 16682546 (cited by Athena Diagnostics).

NM_014946.4(SPAST):c.451_454del (p.Lys151fs)

Gene: SPAST (spastin; plus strand). Cytogenetic location: 2p22.3.
Variant type: Deletion.
Coding change: c.451_454del on transcript NM_014946.4 (MANE Select); coding-DNA positions 451 to 454, 4 bases deleted (AAAG; older notation c.451_454delAAAG).
Protein change: p.Lys151fs; shifts the reading frame from lysine 151.
Molecular consequence: frameshift variant.
Genome position (GRCh38, 1-based): chr2:32,087,527-32,087,530, AAAG deleted; deleting any 4 consecutive bases within chr2:32,087,524-32,087,530 gives the same sequence; the c. name uses the placement nearest the transcript's 3' end. VCF-style (leftmost placement, unchanged base first): chr2-32087523-TAAGA-T. GRCh37 (hg19) VCF-style: chr2-32312592-TAAGA-T.
Other names: c.448_451del, p.Lys150fs (NM_001363823.2, NM_001363875.2); c.451_454del, p.Lys151fs (NM_001377959.1, NM_199436.2); short protein forms K150fs, K151fs.
Identifiers: ClinVar variation 994986 (VCV000994986.2), dbSNP rs1677532829, ClinGen allele CA1139656847.
Genomic context (GRCh38, chr2:32,087,523, plus strand): 5'-ATCTATACAAATAATTTTTTATTTTAAAGCAGGACAGAAGGAGCAAGCTGTGGAATGGTA[TAAGA>T]AAGGTATTGAAGAACTGGAAAAAGGAATAGCTGTTATAGTTACAGGACAAGGTAAGATTG-3'